The following is an entry in ClinVar:

ClinVar aggregate classification (germline): Uncertain significance (1 of 4 stars; one submission).

Conditions:
Familial cancer of breast. Also called: Hereditary breast cancer; BREAST CANCER, FAMILIAL; hereditary breast carcinoma. Identifiers: Orphanet 227535, MedGen C0346153, MONDO:0016419, OMIM 114480. Disease mechanism: loss of function.
Fanconi anemia complementation group J. Also called: BRIP1-Related Fanconi Anemia. Identifiers: Orphanet 84, MedGen C1836860, MONDO:0012187, OMIM 609054.

Submission:

Labcorp Genetics (formerly Invitae), Labcorp
Classification: Uncertain significance for Familial cancer of breast; Fanconi anemia complementation group J. Last evaluated: 2021-03-10. Review status: criteria provided, single submitter. Criteria: Invitae Variant Classification Sherloc (09022015). Collection method: clinical testing. Allele origin: germline.
Comment: This sequence change replaces aspartic acid with alanine at codon 434 of the BRIP1 protein (p.Asp434Ala). The aspartic acid residue is weakly conserved and there is a moderate physicochemical difference between aspartic acid and alanine. This variant is not present in population databases (ExAC no frequency). This variant has not been reported in the literature in individuals with BRIP1-related conditions. Algorithms developed to predict the effect of missense changes on protein structure and function (SIFT, PolyPhen-2, Align-GVGD) all suggest that this variant is likely to be tolerated, but these predictions have not been confirmed by published functional studies and their clinical significance is uncertain. In summary, the available evidence is currently insufficient to determine the role of this variant in disease. Therefore, it has been classified as a Variant of Uncertain Significance.

NM_032043.3(BRIP1):c.1301A>C (p.Asp434Ala)

Gene: BRIP1 (BRCA1 interacting DNA helicase 1; minus strand). Cytogenetic location: 17q23.2.
Variant type: single nucleotide variant.
Coding change: c.1301A>C on transcript NM_032043.3 (MANE Select); coding-DNA position 1301, A replaced by C.
Protein change: p.Asp434Ala; replaces aspartic acid 434 with alanine.
Molecular consequence: missense variant.
Genome position (GRCh38, 1-based): chr17:61,799,139, T>G on the plus strand (A>C on the coding strand, the complement: BRIP1 is on the minus strand). VCF-style: chr17-61799139-T-G. GRCh37 (hg19) VCF-style: chr17-59876500-T-G.
Other names: short protein forms D434A.
Identifiers: ClinVar variation 1465613 (VCV001465613.9), dbSNP rs1567829117, ClinGen allele CA400483483.
Genomic context (GRCh38, chr17:61,799,139, plus strand): 5'-CTAATAGACAAATCTTCTTACTTAATGAGGCTACAGCACACAGCTCGTAGGGGTTCATGA[T>G]CTTTCTTCCTTATATTATTGTTGACCATACTATCTAGTTCATCCCGAGCAAACCGAAGCT-3'
Protein context (NP_114432.2, residues 424-444): SMVNNNIRKK[Asp434Ala]HEPLRAVCCS